The following is an entry in ClinVar:

ClinVar aggregate classification (germline): Pathogenic (1 of 4 stars; one submission).

Submission:

Labcorp Genetics (formerly Invitae), Labcorp
Classification: Pathogenic. Last evaluated: 2022-12-30. Review status: criteria provided, single submitter. Criteria: Invitae Variant Classification Sherloc (09022015). Collection method: clinical testing. Allele origin: germline.
Comment: For these reasons, this variant has been classified as Pathogenic. This variant has not been reported in the literature in individuals affected with FRMD7-related conditions. This variant is not present in population databases (gnomAD no frequency). This sequence change creates a premature translational stop signal (p.Tyr187*) in the FRMD7 gene. It is expected to result in an absent or disrupted protein product. Loss-of-function variants in FRMD7 are known to be pathogenic (PMID: 17013395).

Literature cited by the submitters: PubMed 17013395.

NM_194277.3(FRMD7):c.561T>A (p.Tyr187Ter)

Gene: FRMD7 (FERM domain containing 7; minus strand). Cytogenetic location: Xq26.2.
Variant type: single nucleotide variant.
Coding change: c.561T>A on transcript NM_194277.3 (MANE Select); coding-DNA position 561, T replaced by A.
Protein change: p.Tyr187Ter; replaces tyrosine 187 with a stop codon.
Molecular consequence: nonsense.
Genome position (GRCh38, 1-based): chrX:132,085,665, A>T on the plus strand (T>A on the coding strand, the complement: FRMD7 is on the minus strand). VCF-style: chrX-132085665-A-T. GRCh37 (hg19) VCF-style: chrX-131219693-A-T.
Other names: c.516T>A, p.Tyr172Ter (NM_001306193.2); short protein forms Y187*, Y172*.
Identifiers: ClinVar variation 2824989 (VCV002824989.3), dbSNP rs2520755303, ClinGen allele CA414681117.
Genomic context (GRCh38, chrX:132,085,665, plus strand): 5'-AGCAACAGCCAGGTGAATCTGCATCCCTTCACCATCACTGGCGGGGTGAGGCCTGATGCC[A>T]TACATATCCAGCTTCCTTGCTATGTCCAGTAGCAGAATGTCAGATTCAGCTGGGCTCCTG-3'